The following is an entry in ClinVar:

ClinVar aggregate classification (germline): Conflicting classifications of pathogenicity. Review status: criteria provided, conflicting classifications (1 of 4 stars). 2 submissions from 2 submitters: Uncertain significance (1); Likely benign (1). Last evaluated 2023-03-23.

Conditions:
Hereditary cancer-predisposing syndrome. Also called: Tumor predisposition; Hereditary Cancer Syndrome; Neoplastic Syndromes, Hereditary; Hereditary neoplastic syndrome. Identifiers: Orphanet 140162, MedGen C0027672, MeSH D009386, MONDO:0015356.
Breast-ovarian cancer, familial, susceptibility to, 2 (BROVCA2). Also called: BRCA2 Hereditary Breast and Ovarian Cancer. Identifiers: Orphanet 145, MedGen C2675520, MONDO:0012933, OMIM 612555. Disease mechanism: loss of function.

Submissions (2):

University of Washington Department of Laboratory Medicine, University of Washington
Classification: Likely benign for Hereditary cancer-predisposing syndrome. Last evaluated: 2023-03-23. Review status: criteria provided, single submitter. Criteria: Dines et al. (Genet Med. 2020). Collection method: curation. Allele origin: germline.
Comment: Missense variant in a coldspot region where missense variants are very unlikely to be pathogenic (PMID:31911673).

BRCA2 exon 11 coldspot. Reclassification based on statistical prior probability.

Quest Diagnostics Nichols Institute San Juan Capistrano
Classification: Uncertain significance for Breast-ovarian cancer, familial, susceptibility to, 2. Last evaluated: 2016-04-18. Review status: criteria provided, single submitter. Criteria: Quest Diagnostics criteria. Collection method: clinical testing. Allele origin: germline. Inheritance: Autosomal dominant inheritance.

Literature cited by the submitters: PubMed 26295337 (cited by Quest Diagnostics Nichols Institute San Juan Capistrano).

NM_000059.4(BRCA2):c.3831T>G (p.Asn1277Lys)

Gene: BRCA2 (BRCA2 DNA repair associated; plus strand). Cytogenetic location: 13q13.1.
Variant type: single nucleotide variant.
Coding change: c.3831T>G on transcript NM_000059.4 (MANE Select); coding-DNA position 3831, T replaced by G.
Protein change: p.Asn1277Lys; replaces asparagine 1277 with lysine.
Molecular consequence: missense variant.
Genome position (GRCh38, 1-based): chr13:32,338,186, T>G. VCF-style: chr13-32338186-T-G. GRCh37 (hg19) VCF-style: chr13-32912323-T-G.
Other names: short protein forms N1277K.
Identifiers: ClinVar variation 252413 (VCV000252413.4), dbSNP rs879255303, ClinGen allele CA10585894.
Genomic context (GRCh38, chr13:32,338,186, plus strand): 5'-AATAAGTTTATCTTCAAGTAAATGTCATGATTCTGTTGTTTCAATGTTTAAGATAGAAAA[T>G]CATAATGATAAAACTGTAAGTGAAAAAAATAATAAATGCCAACTGATATTACAAAATAAT-3'
Protein context (NP_000050.3, residues 1267-1287): DSVVSMFKIE[Asn1277Lys]HNDKTVSEKN